The following is an entry in ClinVar:

GRCh38/hg38 2q21.1(chr2:130060610-130499775)x1

Genes: CCDC74B (coiled-coil domain containing 74B; minus strand), IMP4 (IMP U3 small nucleolar ribonucleoprotein 4; plus strand), MZT2B (mitotic spindle organizing protein 2B; plus strand), POTEF (POTE ankyrin domain family member F; minus strand), POTEF-AS1 (POTEF antisense RNA 1; plus strand) and 20 more. Cytogenetic location: 2q21.1.
Variant type: copy number loss.
Change: copy number 1 (one copy instead of two) of chr2:130,060,610-130,499,775 (439.2 kb, GRCh38 coordinates, 1-based), cytogenetic band 2q21.1.
Identifiers: ClinVar variation 4796451 (VCV004796451.1).

ClinVar aggregate classification (germline): Uncertain significance (1 of 4 stars; one submission).

Submission:

Medical Genetic Center, Changzhi Maternal and Child Health Care Hospital
Classification: Uncertain significance. Last evaluated: 2025-12-10. Review status: criteria provided, single submitter. Criteria: ACMG/ClinGen CNV Guidelines, 2019. Collection method: clinical testing. Allele origin: unknown.